The following is an entry in ClinVar:

NM_001182.5(ALDH7A1):c.1519G>C (p.Glu507Gln)

Gene: ALDH7A1 (aldehyde dehydrogenase 7 family member A1; minus strand). Cytogenetic location: 5q23.2.
Variant type: single nucleotide variant.
Coding change: c.1519G>C on transcript NM_001182.5 (MANE Select); coding-DNA position 1519, G replaced by C.
Protein change: p.Glu507Gln; replaces glutamic acid 507 with glutamine.
Molecular consequence: missense variant.
Genome position (GRCh38, 1-based): chr5:126,546,370, C>G on the plus strand (G>C on the coding strand, the complement: ALDH7A1 is on the minus strand). VCF-style: chr5-126546370-C-G. GRCh37 (hg19) VCF-style: chr5-125882062-C-G.
Other names: c.1435G>C, p.Glu479Gln (NM_001201377.2); c.1327G>C, p.Glu443Gln (NM_001202404.2); short protein forms E479Q, E443Q, E507Q.
Identifiers: ClinVar variation 1373512 (VCV001373512.6), dbSNP rs2112746220, ClinGen allele CA360719284.
Genomic context (GRCh38, chr5:126,546,370, plus strand): 5'-AAGCCTTTTCTTACCAAGTAGACCTTCTCATGTACTGTTTCCAGGCATCACTGCCAGACT[C>G]CCTGCCACCACCAGTGTGCTTTTCTCCTCCTAGAGAAATAAAAAATAATATCATATCTTC-3'
Protein context (NP_001173.2, residues 497-517): GGEKHTGGGR[Glu507Gln]SGSDAWKQYM

ClinVar aggregate classification (germline): Uncertain significance (1 of 4 stars; one submission).

Conditions:
Pyridoxine-dependent epilepsy (EPEO4). Also called: Pyridoxine-Dependent Epilepsy - ALDH7A1; PYRIDOXINE DEPENDENCY WITH SEIZURES; EPILEPSY, EARLY-ONSET, 4, VITAMIN B6-DEPENDENT; Pyridoxine-Dependent Seizures. Identifiers: Orphanet 3006, MedGen C1849508, MONDO:0009945, OMIM 266100. Disease mechanism: loss of function.

Allele frequency attached by ClinVar (database versions not stated): gnomAD exomes below 0.00001.
gnomAD v4.1: 4 of 1,614,230 alleles (0.00025%); highest among the groups gnomAD compares: South Asian, 0.0033%; no homozygotes.

Submission:

Labcorp Genetics (formerly Invitae), Labcorp
Classification: Uncertain significance for Pyridoxine-dependent epilepsy. Last evaluated: 2023-08-30. Review status: criteria provided, single submitter. Criteria: Invitae Variant Classification Sherloc (09022015). Collection method: clinical testing. Allele origin: germline.
Comment: In summary, the available evidence is currently insufficient to determine the role of this variant in disease. Therefore, it has been classified as a Variant of Uncertain Significance. This sequence change replaces glutamic acid, which is acidic and polar, with glutamine, which is neutral and polar, at codon 507 of the ALDH7A1 protein (p.Glu507Gln). This variant is not present in population databases (gnomAD no frequency). This variant has not been reported in the literature in individuals affected with ALDH7A1-related conditions. ClinVar contains an entry for this variant (Variation ID: 1373512). Advanced modeling of protein sequence and biophysical properties (such as structural, functional, and spatial information, amino acid conservation, physicochemical variation, residue mobility, and thermodynamic stability) performed at Invitae indicates that this missense variant is expected to disrupt ALDH7A1 protein function.